The following is an entry in ClinVar:

NM_177550.5(SLC13A5):c.526G>T (p.Gly176Cys)

Gene: SLC13A5 (solute carrier family 13 member 5; minus strand). Cytogenetic location: 17p13.1.
Variant type: single nucleotide variant.
Coding change: c.526G>T on transcript NM_177550.5 (MANE Select); coding-DNA position 526, G replaced by T.
Protein change: p.Gly176Cys; replaces glycine 176 with cysteine.
Molecular consequence: missense variant.
Genome position (GRCh38, 1-based): chr17:6,703,899, C>A on the plus strand (G>T on the coding strand, the complement: SLC13A5 is on the minus strand). VCF-style: chr17-6703899-C-A. GRCh37 (hg19) VCF-style: chr17-6607218-C-A.
Other names: c.526G>T, p.Gly176Cys (NM_001143838.3); c.475G>T, p.Gly159Cys (NM_001284509.2); c.397G>T, p.Gly133Cys (NM_001284510.2); short protein forms G176C, G133C, G159C.
Identifiers: ClinVar variation 849914 (VCV000849914.12), dbSNP rs1973787933, ClinGen allele CA397749943.

ClinVar aggregate classification (germline): Uncertain significance (1 of 4 stars; one submission).

Conditions:
Developmental and epileptic encephalopathy, 25 (DEE25). Also called: Epileptic encephalopathy, early infantile, 25; Developmental and epileptic encephalopathy 25, with amelogenesis imperfecta; Epileptic encephalopathy, early infantile, 25, with amelogenesis imperfecta. Identifiers: Orphanet 442835, MedGen C4014621, MONDO:0014392, OMIM 615905.

gnomAD v4.1: 7 of 1,568,556 alleles (0.00045%); highest among the groups gnomAD compares: South Asian, 0.0083%; no homozygotes.

Submission:

Labcorp Genetics (formerly Invitae), Labcorp
Classification: Uncertain significance for Developmental and epileptic encephalopathy, 25. Last evaluated: 2024-02-26. Review status: criteria provided, single submitter. Criteria: Invitae Variant Classification Sherloc (09022015). Collection method: clinical testing. Allele origin: germline.
Comment: This sequence change replaces glycine, which is neutral and non-polar, with cysteine, which is neutral and slightly polar, at codon 176 of the SLC13A5 protein (p.Gly176Cys). This variant is not present in population databases (gnomAD no frequency). This variant has not been reported in the literature in individuals affected with SLC13A5-related conditions. ClinVar contains an entry for this variant (Variation ID: 849914). An algorithm developed to predict the effect of missense changes on protein structure and function (PolyPhen-2) suggests that this variant is likely to be tolerated. In summary, the available evidence is currently insufficient to determine the role of this variant in disease. Therefore, it has been classified as a Variant of Uncertain Significance.